The following is an entry in ClinVar:

NM_003140.3(SRY):c.203T>C (p.Ile68Thr)

Gene: SRY (sex determining region Y; minus strand). Cytogenetic location: Yp11.2.
Variant type: single nucleotide variant.
Coding change: c.203T>C on transcript NM_003140.3 (MANE Select); coding-DNA position 203, T replaced by C.
Protein change: p.Ile68Thr; replaces isoleucine 68 with threonine.
Molecular consequence: missense variant.
Genome position (GRCh38, 1-based): chrY:2,787,401, A>G on the plus strand (T>C on the coding strand, the complement: SRY is on the minus strand). VCF-style: chrY-2787401-A-G. GRCh37 (hg19) VCF-style: chrY-2655442-A-G.
Other names: short protein forms I68T.
Identifiers: ClinVar variation 9746 (VCV000009746.8), dbSNP rs104894968, ClinGen allele CA254874.

ClinVar aggregate classification (germline): Pathogenic. Review status: criteria provided, single submitter (1 of 4 stars). 2 submissions from 2 submitters: Pathogenic (1). 1 of the submissions does not count toward it. Last evaluated 2018-06-19.

Conditions:
46,XY sex reversal 1. Also called: 46,XY SEX REVERSAL, SRY-RELATED; SRY-related 46,XY complete gonadal dysgenesis. Identifiers: Orphanet 242, MedGen C2748896, MONDO:0020712, OMIM 400044.

Submissions (2):

Labcorp Genetics (formerly Invitae), Labcorp
Classification: Pathogenic for 46,XY sex reversal 1. Last evaluated: 2018-06-19. Review status: criteria provided, single submitter. Criteria: Invitae Variant Classification Sherloc (09022015). Collection method: clinical testing. Allele origin: germline.
Comment: This variant has been observed to be de novo in an individual affected with gonadal dysgenesis (PMID: 1438307). ClinVar contains an entry for this variant (Variation ID: 9746). Experimental studies have shown that this missense change exhibits a significant reduction in sequence-specific DNA recognition (PMID: 7718558), shows no binding activity compared to wild type, and fails to induce activation of a male-specific development pathway in vitro (PMID: 7985018). For these reasons, this variant has been classified as Pathogenic. This variant is not present in population databases (ExAC no frequency). This sequence change replaces isoleucine with threonine at codon 68 of the SRY protein (p.Ile68Thr). The isoleucine residue is weakly conserved and there is a moderate physicochemical difference between isoleucine and threonine.

OMIM
Classification: Pathogenic for 46,XY SEX REVERSAL 1. Last evaluated: 1995-04-11. Review status: no assertion criteria provided. Collection method: literature only. Allele origin: germline. Not counted in ClinVar's aggregate classification.

Literature cited by the submitters: PubMed 1438307 (cited by Labcorp Genetics (formerly Invitae), Labcorp); PubMed 7718558 (cited by Labcorp Genetics (formerly Invitae), Labcorp and OMIM); PubMed 7985018 (cited by Labcorp Genetics (formerly Invitae), Labcorp and OMIM).